The following is an entry in ClinVar:

ClinVar aggregate classification (germline): Pathogenic (1 of 4 stars; one submission).

Conditions:
Familial thoracic aortic aneurysm and aortic dissection (TAAD). Also called: Thoracic aortic aneurysms and dissections. Identifiers: Orphanet 91387, MedGen C4707243, MONDO:0019625.
Marfan syndrome (MFS). Also called: Marfan syndrome, classic; Marfan syndrome type 1; Marfan's syndrome; FBN1-Related Marfan Syndrome; MARFAN SYNDROME, TYPE I. Identifiers: Orphanet 284963, Orphanet 558, MedGen C0024796, MONDO:0007947, OMIM 154700.

Submission:

Labcorp Genetics (formerly Invitae), Labcorp
Classification: Pathogenic for Marfan syndrome; Familial thoracic aortic aneurysm and aortic dissection. Last evaluated: 2019-09-13. Review status: criteria provided, single submitter. Criteria: Invitae Variant Classification Sherloc (09022015). Collection method: clinical testing. Allele origin: germline.
Comment: For these reasons, this variant has been classified as Pathogenic. Loss-of-function variants in FBN1 are known to be pathogenic (PMID: 17657824, 19293843). This variant has not been reported in the literature in individuals with FBN1-related conditions. This variant is not present in population databases (ExAC no frequency). This sequence change creates a premature translational stop signal (p.Lys1300Asnfs*112) in the FBN1 gene. It is expected to result in an absent or disrupted protein product.

Literature cited by the submitters: PubMed 17657824; PubMed 19293843.

NM_000138.5(FBN1):c.3900_3903del (p.Lys1300fs)

Gene: FBN1 (fibrillin 1; minus strand). Cytogenetic location: 15q21.1.
Variant type: Deletion.
Coding change: c.3900_3903del on transcript NM_000138.5 (MANE Select); coding-DNA positions 3900 to 3903, 4 bases deleted (AGGC; older notation c.3900_3903delAGGC).
Protein change: p.Lys1300fs; shifts the reading frame from lysine 1300.
Molecular consequence: frameshift variant.
Genome position (GRCh38, 1-based): chr15:48,481,716-48,481,719, GCCT deleted on the plus strand (AGGC on the coding strand, the reverse complement: FBN1 is on the minus strand). VCF-style (leftmost placement, unchanged base first): chr15-48481715-AGCCT-A. GRCh37 (hg19) VCF-style: chr15-48773912-AGCCT-A.
Other names: short protein forms K1300fs.
Identifiers: ClinVar variation 933629 (VCV000933629.7), dbSNP rs2043466554, ClinGen allele CA1139663893.